The following is an entry in ClinVar:

NM_004977.3(KCNC3):c.193C>G (p.Arg65Gly)

Gene: KCNC3 (potassium voltage-gated channel subfamily C member 3; minus strand). Cytogenetic location: 19q13.33.
Variant type: single nucleotide variant.
Coding change: c.193C>G on transcript NM_004977.3 (MANE Select); coding-DNA position 193, C replaced by G.
Protein change: p.Arg65Gly; replaces arginine 65 with glycine.
Molecular consequence: missense variant. On other transcripts: 5 prime UTR variant (1).
Genome position (GRCh38, 1-based): chr19:50,328,890, G>C on the plus strand (C>G on the coding strand, the complement: KCNC3 is on the minus strand). VCF-style: chr19-50328890-G-C. GRCh37 (hg19) VCF-style: chr19-50832147-G-C.
Other names: c.-36C>G (NM_001372305.1); short protein forms R65G.
Identifiers: ClinVar variation 1998451 (VCV001998451.4), dbSNP rs2513804398, ClinGen allele CA406956435.

ClinVar aggregate classification (germline): Uncertain significance (1 of 4 stars; one submission).

Submission:

Labcorp Genetics (formerly Invitae), Labcorp
Classification: Uncertain significance. Last evaluated: 2022-10-26. Review status: criteria provided, single submitter. Criteria: Invitae Variant Classification Sherloc (09022015). Collection method: clinical testing. Allele origin: germline.
Comment: Advanced modeling of protein sequence and biophysical properties (such as structural, functional, and spatial information, amino acid conservation, physicochemical variation, residue mobility, and thermodynamic stability) performed at Invitae indicates that this missense variant is not expected to disrupt KCNC3 protein function. In summary, the available evidence is currently insufficient to determine the role of this variant in disease. Therefore, it has been classified as a Variant of Uncertain Significance. This variant has not been reported in the literature in individuals affected with KCNC3-related conditions. The frequency data for this variant in the population databases is considered unreliable, as metrics indicate insufficient coverage at this position in the gnomAD database. This sequence change replaces arginine, which is basic and polar, with glycine, which is neutral and non-polar, at codon 65 of the KCNC3 protein (p.Arg65Gly).